The following is an entry in ClinVar:

ClinVar aggregate classification (germline): Uncertain significance (1 of 4 stars; one submission).

Allele frequency attached by ClinVar (database versions not stated): gnomAD 0.00002.

Submission:

Labcorp Genetics (formerly Invitae), Labcorp
Classification: Uncertain significance. Last evaluated: 2023-08-14. Review status: criteria provided, single submitter. Criteria: Invitae Variant Classification Sherloc (09022015). Collection method: clinical testing. Allele origin: germline.
Comment: In summary, the available evidence is currently insufficient to determine the role of this variant in disease. Therefore, it has been classified as a Variant of Uncertain Significance. Algorithms developed to predict the effect of sequence changes on RNA splicing suggest that this variant is not likely to affect RNA splicing. This variant has not been reported in the literature in individuals affected with CTBP1-related conditions. The frequency data for this variant in the population databases is considered unreliable, as metrics indicate insufficient coverage at this position in the gnomAD database. This sequence change affects codon 13 of the CTBP1 mRNA. It is a 'silent' change, meaning that it does not change the encoded amino acid sequence of the CTBP1 protein. It affects a nucleotide within the consensus splice site.

NM_001012614.2(CTBP1):c.-190T>G

Genes: CTBP1 (C-terminal binding protein 1; minus strand), LOC129991984 (ATAC-STARR-seq lymphoblastoid silent region 15125; plus strand). Cytogenetic location: 4p16.3.
Variant type: single nucleotide variant.
Coding change: c.-190T>G on transcript NM_001012614.2 (MANE Select); 190 bases upstream of the start codon, T replaced by G.
Molecular consequence: 5 prime UTR variant. On other transcripts: synonymous variant (2), intron variant (4).
Genome position (GRCh38, 1-based): chr4:1,248,917, A>C on the plus strand (T>G on the coding strand, the complement: CTBP1 is on the minus strand). VCF-style: chr4-1248917-A-C. GRCh37 (hg19) VCF-style: chr4-1242705-A-C.
Other names: c.39T>G, p.Leu13= (NM_001328.3, NM_001377186.1); c.-190T>G (NM_001377187.1); c.-189+1243T>G (NM_001377192.1, NM_001377189.1); c.-189+732T>G (NM_001377193.1, NM_001377190.1).
Identifiers: ClinVar variation 2872928 (VCV002872928.3), dbSNP rs1733070289, ClinGen allele CA437926398.